The following is an entry in ClinVar:

NM_033026.6(PCLO):c.6988C>T (p.Arg2330Ter)

Gene: PCLO (piccolo presynaptic cytomatrix protein; minus strand). Cytogenetic location: 7q21.11.
Variant type: single nucleotide variant.
Coding change: c.6988C>T on transcript NM_033026.6 (MANE Select); coding-DNA position 6988, C replaced by T.
Protein change: p.Arg2330Ter; replaces arginine 2330 with a stop codon.
Molecular consequence: nonsense.
Genome position (GRCh38, 1-based): chr7:82,953,965, G>A on the plus strand (C>T on the coding strand, the complement: PCLO is on the minus strand). VCF-style: chr7-82953965-G-A. GRCh37 (hg19) VCF-style: chr7-82583281-G-A.
Other names: c.6988C>T, p.Arg2330Ter (NM_014510.3); short protein forms R2330*.
Identifiers: ClinVar variation 3903246 (VCV003903246.1).

ClinVar aggregate classification (germline): Uncertain significance (1 of 4 stars; one submission).

gnomAD v4.1: 1 of 1,613,862 alleles (0.000062%); highest among the groups gnomAD compares: South Asian, 0.0011%; no homozygotes.

Submission:

GeneDx
Classification: Uncertain significance. Last evaluated: 2023-03-24. Review status: criteria provided, single submitter. Criteria: GeneDx Variant Classification Process June 2021. Collection method: clinical testing. Allele origin: germline. Affected: yes.
Comment: Not observed at significant frequency in large population cohorts (gnomAD); Nonsense variant predicted to result in protein truncation or nonsense mediated decay in a gene or region of a gene for which loss of function is not a well-established mechanism of disease; Has not been previously published as pathogenic or benign to our knowledge; Variants in candidate genes are classified as variants of uncertain significance in accordance with ACMG guidelines (Richards et al., 2015)